The following is an entry in ClinVar:

ClinVar aggregate classification (germline): Uncertain significance (1 of 4 stars; one submission).

gnomAD v4.1: 3 of 1,614,018 alleles (0.00019%); highest among the groups gnomAD compares: East Asian, 0.0045%; no homozygotes.

Submission:

Labcorp Genetics (formerly Invitae), Labcorp
Classification: Uncertain significance. Last evaluated: 2024-06-10. Review status: criteria provided, single submitter. Criteria: Invitae Variant Classification Sherloc (09022015). Collection method: clinical testing. Allele origin: germline.
Comment: This sequence change replaces glycine, which is neutral and non-polar, with arginine, which is basic and polar, at codon 198 of the CREB3L3 protein (p.Gly198Arg). This variant is present in population databases (rs752801301, gnomAD 0.0009%). This variant has not been reported in the literature in individuals affected with CREB3L3-related conditions. Advanced modeling of protein sequence and biophysical properties (such as structural, functional, and spatial information, amino acid conservation, physicochemical variation, residue mobility, and thermodynamic stability) performed at Invitae indicates that this missense variant is not expected to disrupt CREB3L3 protein function with a negative predictive value of 80%. In summary, the available evidence is currently insufficient to determine the role of this variant in disease. Therefore, it has been classified as a Variant of Uncertain Significance.

NM_032607.3(CREB3L3):c.592G>A (p.Gly198Arg)

Gene: CREB3L3 (cAMP responsive element binding protein 3 like 3; plus strand). Cytogenetic location: 19p13.3.
Variant type: single nucleotide variant.
Coding change: c.592G>A on transcript NM_032607.3 (MANE Select); coding-DNA position 592, G replaced by A.
Protein change: p.Gly198Arg; replaces glycine 198 with arginine.
Molecular consequence: missense variant.
Genome position (GRCh38, 1-based): chr19:4,164,518, G>A. VCF-style: chr19-4164518-G-A. GRCh37 (hg19) VCF-style: chr19-4164515-G-A.
Other names: c.589G>A, p.Gly197Arg (NM_001271995.2); c.586G>A, p.Gly196Arg (NM_001271996.2); c.592G>A, p.Gly198Arg (NM_001271997.2); short protein forms G196R, G197R, G198R.
Identifiers: ClinVar variation 3619521 (VCV003619521.2).